The following is an entry in ClinVar:

ClinVar aggregate classification (germline): Pathogenic (0 of 4 stars; one submission).

Conditions:
GNPTG-mucolipidosis. Also called: ML III GAMMA; ML IIIC; MUCOLIPIDOSIS III, COMPLEMENTATION GROUP C; MUCOLIPIDOSIS III, IRANIAN VARIANT FORM; MUCOLIPIDOSIS III, VARIANT FORM; Mucolipidosis type III gamma. Identifiers: Orphanet 423470, Orphanet 577, MedGen C1854896, MONDO:0009652, OMIM 252605.

Submission:

GeneReviews
Classification: Pathogenic for Mucolipidosis III Gamma. Last evaluated: 2012-07-05. Review status: no assertion criteria provided. Collection method: curation. Allele origin: unknown.
ClinVar note: Converted during submission from pathologic to Pathogenic.

NM_032520.5(GNPTG):c.609+28_610-16del

Gene: GNPTG (N-acetylglucosamine-1-phosphate transferase subunit gamma; plus strand). Cytogenetic location: 16p13.3.
Variant type: Deletion.
Coding change: c.609+28_610-16del on transcript NM_032520.5 (MANE Select); 28 bases into the intron after coding-DNA position 609 through 16 bases into the intron before coding-DNA position 610, 34 bases deleted.
Molecular consequence: intron variant.
Genome position (GRCh38, 1-based): chr16:1,362,562-1,362,595, 34 bases deleted. GRCh37 (hg19): chr16:1,412,563-1,412,596.
Other names: c.609+28_610-16del33 (NM_032520.4).
Identifiers: ClinVar variation 21719 (VCV000021719.3), dbSNP rs193302853, ClinGen allele CA342409.